The following is an entry in ClinVar:

NM_000545.8(HNF1A):c.412G>A (p.Gly138Ser)

Gene: HNF1A (HNF1 homeobox A; plus strand). Cytogenetic location: 12q24.31.
Variant type: single nucleotide variant.
Coding change: c.412G>A on transcript NM_000545.8 (MANE Select); coding-DNA position 412, G replaced by A.
Protein change: p.Gly138Ser; replaces glycine 138 with serine.
Molecular consequence: missense variant.
Genome position (GRCh38, 1-based): chr12:120,988,918, G>A. VCF-style: chr12-120988918-G-A. GRCh37 (hg19) VCF-style: chr12-121426721-G-A.
Other names: NM_001306179.2:c.412G>A; c.412G>A, p.Gly138Ser (NM_001306179.2); short protein forms G138S.
Identifiers: ClinVar variation 1327622 (VCV001327622.4), dbSNP rs2135832646, ClinGen allele CA386959690.
Genomic context (GRCh38, chr12:120,988,918, plus strand): 5'-ATGGTCAAGTCCTACCTGCAGCAGCACAACATCCCACAGCGGGAGGTGGTCGATACCACT[G>A]GCCTCAACCAGTCCCACCTGTCCCAACACCTCAACAAGGGCACTCCCATGAAGACGCAGA-3'
Protein context (NP_000536.6, residues 128-148): IPQREVVDTT[Gly138Ser]LNQSHLSQHL

ClinVar aggregate classification (germline): Uncertain significance (3 of 4 stars; one submission).

Conditions:
Monogenic diabetes. Identifiers: Orphanet 183625, MedGen C3888631, MONDO:0015967.

Submission:

ClinGen Monogenic Diabetes Variant Curation Expert Panel
Classification: Uncertain significance for Monogenic diabetes. Last evaluated: 2025-09-26. Review status: reviewed by expert panel. Criteria: ClinGen Diabetes ACMG Specifications HNF1A V3.0.0. Collection method: curation. Allele origin: germline. Inheritance: Autosomal dominant inheritance.
Comment: The c.412G>A variant in the HNF1 homeobox A gene, HNF1A, causes an amino acid change of glycine to serine at codon 138 (p.(Gly138Ser)) of NM_000545.8. This variant is absent from gnomAD v2.1.1 and v4.1.0 (PM2_Supporting). This variant is located within the DNA binding domain (codons 107-174) of HNF1A, which is defined as critical for the protein’s function by the ClinGen MDEP (PM1_Supporting). This variant is predicted to be deleterious by computational evidence, with a REVEL score of 0.9539, which is greater than the MDEP threshold of 0.70 (PP3). This variant was identified in two unrelated individuals who do not have autoimmune or absolute/near-absolute insulin-deficient diabetes; however, PS4_Moderate cannot be applied because this number is below the ClinGen MDEP threshold (PMID 18003757; internal lab contributors). Additionally, the calculated MODY probability in these individuals is <50% and HNF4A was not tested (internal lab contributor). In summary, this variant meets the criteria to be classified as a variant of uncertain signficance for monogenic diabetes. ACMG/AMP criteria applied as specified by the GlinGen MDEP VCEP (specification version 3.0, approved 6/30/2025): PP3, PM1_Supporting, PM2_Supporting.

Literature cited by the submitters: PubMed 18003757.